The following is an entry in ClinVar:

NM_001267550.2(TTN):c.58333G>A (p.Glu19445Lys)

Genes: TTN (titin; minus strand), TTN-AS1 (TTN antisense RNA 1; plus strand). Cytogenetic location: 2q31.2.
Variant type: single nucleotide variant.
Coding change: c.58333G>A on transcript NM_001267550.2 (MANE Select); coding-DNA position 58333, G replaced by A.
Protein change: p.Glu19445Lys; replaces glutamic acid 19445 with lysine.
Molecular consequence: missense variant.
Genome position (GRCh38, 1-based): chr2:178,594,060, C>T on the plus strand (G>A on the coding strand, the complement: TTN is on the minus strand). VCF-style: chr2-178594060-C-T. GRCh37 (hg19) VCF-style: chr2-179458787-C-T.
Other names: c.58333G>A (NM_001267550.1); c.53410G>A, p.Glu17804Lys (NM_001256850.1); c.31138G>A, p.Glu10380Lys (NM_003319.4); c.50629G>A, p.Glu16877Lys (NM_133378.4); c.31513G>A, p.Glu10505Lys (NM_133432.3); c.31714G>A, p.Glu10572Lys (NM_133437.4); short protein forms E10380K, E10505K, E10572K, E16877K, E17804K, E19445K.
Identifiers: ClinVar variation 1163428 (VCV001163428.6), dbSNP rs1418076473, ClinGen allele CA349507404.
Genomic context (GRCh38, chr2:178,594,060, plus strand): 5'-TACTGTTCTCCACAACCACACAGTATTTGCCGGAATCTGAACGTTTGGCCTTGATCTTCT[C>T]TAAAGCAAGTGTTGCTGGTGTAGTCTTTATATGAGTGCGATCATCTTCCAGCACATCAGC-3'
Protein context (NP_001254479.2, residues 19435-19455): IKTTPATLAL[Glu19445Lys]KIKAKRSDSG

ClinVar aggregate classification (germline): Uncertain significance. Review status: criteria provided, multiple submitters, no conflicts (2 of 4 stars). 2 submissions from 2 submitters: Uncertain significance (2). Last evaluated 2025-04-25.

Allele frequency attached by ClinVar (database versions not stated): gnomAD exomes below 0.00001 and 0.00001.
gnomAD v4.1: 7 of 1,613,522 alleles (0.00043%); highest among the groups gnomAD compares: Non-Finnish European, 0.00059%; no homozygotes.

Submissions (2):

GeneDx
Classification: Uncertain significance. Last evaluated: 2025-04-25. Review status: criteria provided, single submitter. Criteria: GeneDx Variant Classification Process June 2021. Collection method: clinical testing. Allele origin: germline. Affected: yes.
Comment: Not observed at significant frequency in large population cohorts (gnomAD); Missense variant in a gene in which most reported pathogenic variants are truncating/loss of function; Has not been previously published as pathogenic or benign to our knowledge

Mayo Clinic Laboratories, Mayo Clinic
Classification: Uncertain significance. Last evaluated: 2019-07-22. Review status: criteria provided, single submitter. Criteria: ACMG Guidelines, 2015. Collection method: clinical testing. Allele origin: germline. Observed: 1 variant allele.